The following is an entry in ClinVar:

NM_015102.5(NPHP4):c.264G>T (p.Arg88Ser)

Gene: NPHP4 (nephrocystin 4; minus strand). Cytogenetic location: 1p36.31.
Variant type: single nucleotide variant.
Coding change: c.264G>T on transcript NM_015102.5 (MANE Select); coding-DNA position 264, G replaced by T.
Protein change: p.Arg88Ser; replaces arginine 88 with serine.
Molecular consequence: missense variant. On other transcripts: 5 prime UTR variant (1), non-coding transcript variant (1), intron variant (1).
Genome position (GRCh38, 1-based): chr1:5,978,285, C>A on the plus strand (G>T on the coding strand, the complement: NPHP4 is on the minus strand). VCF-style: chr1-5978285-C-A. GRCh37 (hg19) VCF-style: chr1-6038345-C-A.
Other names: p.Arg88Ser; c.-966G>T (NM_001291593.2); c.-1087-9026G>T (NM_001291594.2); short protein forms R88S.
Identifiers: ClinVar variation 3380563 (VCV003380563.1).
Genomic context (GRCh38, chr1:5,978,285, plus strand): 5'-ACCCTCCGCCTTGGAGCAGCCCCTGCCACCATCACCAGGGCCCACCTCATTAAAGACGAT[C>A]CTGGACGGCGGTCTCTTCGTCGGCTTCACTGTGGTTTTCCACGTCCTCCCAAAGAAGTGC-3'
Protein context (NP_055917.1, residues 78-98): TVKPTKRPPS[Arg88Ser]IVFNEPLYFH

ClinVar aggregate classification (germline): Uncertain significance (1 of 4 stars; one submission).

gnomAD v4.1: 10 of 1,607,420 alleles (0.00062%); highest among the groups gnomAD compares: Non-Finnish European, 0.00076%; no homozygotes.

Submission:

Mayo Clinic Laboratories, Mayo Clinic
Classification: Uncertain significance. Last evaluated: 2024-05-03. Review status: criteria provided, single submitter. Criteria: ACMG Guidelines, 2015. Collection method: clinical testing. Allele origin: germline. Observed: 1 variant allele.
Comment: PM2